The following is an entry in ClinVar:

ClinVar aggregate classification (germline): Pathogenic (1 of 4 stars; one submission).

Conditions:
Hereditary cancer-predisposing syndrome. Also called: Neoplastic Syndromes, Hereditary; Hereditary Cancer Syndrome; Tumor predisposition; Hereditary neoplastic syndrome. Identifiers: Orphanet 140162, MedGen C0027672, MeSH D009386, MONDO:0015356.

Submission:

Ambry Genetics
Classification: Pathogenic for Hereditary cancer-predisposing syndrome. Last evaluated: 2025-01-21. Review status: criteria provided, single submitter. Criteria: Ambry Variant Classification Scheme 2023. Collection method: clinical testing. Allele origin: germline.
Comment: The c.4755delA pathogenic mutation, located in coding exon 30 of the ATM gene, results from a deletion of one nucleotide at nucleotide position 4755, causing a translational frameshift with a predicted alternate stop codon (p.G1586Dfs*15). This variant is considered to be rare based on population cohorts in the Genome Aggregation Database (gnomAD). This alteration is expected to result in loss of function by premature protein truncation or nonsense-mediated mRNA decay. As such, this alteration is interpreted as a disease-causing mutation.

NM_000051.4(ATM):c.4755del (p.Gly1586fs)

Gene: ATM (ATM serine/threonine kinase; plus strand). Cytogenetic location: 11q22.3.
Variant type: Deletion.
Coding change: c.4755del on transcript NM_000051.4 (MANE Select); coding-DNA position 4755, one base deleted (A; older notation c.4755delA).
Protein change: p.Gly1586fs; shifts the reading frame from glycine 1586.
Molecular consequence: frameshift variant.
Genome position (GRCh38, 1-based): chr11:108,293,456, A deleted. VCF-style (leftmost placement, unchanged base first): chr11-108293455-GA-G. GRCh37 (hg19) VCF-style: chr11-108164182-GA-G.
Other names: c.4755del, p.Gly1586fs (NM_001351834.2); short protein forms G1586fs.
Identifiers: ClinVar variation 3801594 (VCV003801594.1).
Genomic context (GRCh38, chr11:108,293,455, plus strand): 5'-TTCCTGACCATGTTGTTTTTAAGGATTTGCGTATTACTCAGCAAAAAATCAAATACAGTA[GA>G]GGACCCTTTTCACTCTTGGAGGTAATAAAAATTTCATCATCTACTATTTTTTATTAGAGA-3'